The following is an entry in ClinVar:

NM_001122630.2(CDKN1C):c.278_279insAGCA (p.Pro95fs)

Gene: CDKN1C (cyclin dependent kinase inhibitor 1C; minus strand). Cytogenetic location: 11p15.4.
Variant type: Insertion.
Coding change: c.278_279insAGCA on transcript NM_001122630.2 (MANE Select); coding-DNA positions 278 to 279, AGCA inserted.
Protein change: p.Pro95fs; shifts the reading frame from proline 95.
Molecular consequence: frameshift variant. On other transcripts: intron variant (1).
Genome position: GRCh38 VCF-style: chr11-2885178-C-CTGCT. GRCh37 (hg19) VCF-style: chr11-2906408-C-CTGCT.
Other names: c.311_312insAGCA, p.Pro106fs (NM_000076.2, NM_001362474.2); c.278_279insAGCA, p.Pro95fs (NM_001122631.2); c.255+23_255+24insAGCA (NM_001362475.2); short protein forms P106fs, P95fs.
Identifiers: ClinVar variation 861381 (VCV000861381.7), dbSNP rs1848966851, ClinGen allele CA916081627.

ClinVar aggregate classification (germline): Pathogenic (1 of 4 stars; one submission).

Conditions:
Beckwith-Wiedemann syndrome (BWS). Also called: EMG SYNDROME; Exomphalos macroglossia gigantism syndrome. Identifiers: Orphanet 116, MedGen C0004903, MONDO:0007534, OMIM 130650.

Submission:

Labcorp Genetics (formerly Invitae), Labcorp
Classification: Pathogenic for Beckwith-Wiedemann syndrome. Last evaluated: 2019-01-26. Review status: criteria provided, single submitter. Criteria: Invitae Variant Classification Sherloc (09022015). Collection method: clinical testing. Allele origin: germline.
Comment: Loss-of-function variants in CDKN1C are known to be pathogenic (PMID: 20503313). This variant has not been reported in the literature in individuals with CDKN1C-related conditions. The frequency data for this variant in the population databases is considered unreliable, as metrics indicate insufficient coverage at this position in the ExAC database. This sequence change creates a premature translational stop signal (p.Pro106Glyfs*20) in the CDKN1C gene. It is expected to result in an absent or disrupted protein product. For these reasons, this variant has been classified as Pathogenic.

Literature cited by the submitters: PubMed 20503313.